The following is an entry in ClinVar:

ClinVar aggregate classification (germline): Uncertain significance. Review status: criteria provided, multiple submitters, no conflicts (2 of 4 stars). 2 submissions from 2 submitters: Uncertain significance (2). Last evaluated 2024-12-10.

Conditions:
Inborn genetic diseases. Identifiers: MedGen C0950123, MeSH D030342.

Allele frequency attached by ClinVar (database versions not stated): gnomAD exomes below 0.00001; ExAC 0.00001.
gnomAD v4.1: 7 of 1,614,142 alleles (0.00043%); highest among the groups gnomAD compares: Non-Finnish European, 0.00059%; no homozygotes.

Submissions (2):

Ambry Genetics
Classification: Uncertain significance for Inborn genetic diseases. Last evaluated: 2024-12-10. Review status: criteria provided, single submitter. Criteria: Ambry Variant Classification Scheme 2023. Collection method: clinical testing. Allele origin: germline.

Labcorp Genetics (formerly Invitae), Labcorp
Classification: Uncertain significance. Last evaluated: 2024-10-21. Review status: criteria provided, single submitter. Criteria: Invitae Variant Classification Sherloc (09022015). Collection method: clinical testing. Allele origin: germline.
Comment: This sequence change replaces valine, which is neutral and non-polar, with alanine, which is neutral and non-polar, at codon 904 of the DUOX2 protein (p.Val904Ala). This variant is present in population databases (rs761399857, gnomAD 0.003%). This variant has not been reported in the literature in individuals affected with DUOX2-related conditions. ClinVar contains an entry for this variant (Variation ID: 2193159). Invitae Evidence Modeling of protein sequence and biophysical properties (such as structural, functional, and spatial information, amino acid conservation, physicochemical variation, residue mobility, and thermodynamic stability) indicates that this missense variant is not expected to disrupt DUOX2 protein function with a negative predictive value of 80%. In summary, the available evidence is currently insufficient to determine the role of this variant in disease. Therefore, it has been classified as a Variant of Uncertain Significance.

NM_001363711.2(DUOX2):c.2711T>C (p.Val904Ala)

Gene: DUOX2 (dual oxidase 2; minus strand). Cytogenetic location: 15q21.1.
Variant type: single nucleotide variant.
Coding change: c.2711T>C on transcript NM_001363711.2 (MANE Select); coding-DNA position 2711, T replaced by C.
Protein change: p.Val904Ala; replaces valine 904 with alanine.
Molecular consequence: missense variant.
Genome position (GRCh38, 1-based): chr15:45,101,933, A>G on the plus strand (T>C on the coding strand, the complement: DUOX2 is on the minus strand). VCF-style: chr15-45101933-A-G. GRCh37 (hg19) VCF-style: chr15-45394131-A-G.
Other names: c.2711T>C, p.Val904Ala (NM_014080.5); c.2711T>C (NM_014080.4); short protein forms V904A.
Identifiers: ClinVar variation 2193159 (VCV002193159.4), dbSNP rs761399857, ClinGen allele CA7538166.
Genomic context (GRCh38, chr15:45,101,933, plus strand): 5'-AAATCCTCCCATGTCAGCTCCTCCTTGTCCTGGAATCCCGACTCCCGGAACATAGACTCC[A>G]CCACCTCGGCCAGCTGGGCCTTGGACAGGCAGTTGTTGGAGATCTCGATGAAGGATCTGG-3'
Protein context (NP_001350640.1, residues 894-914): CLSKAQLAEV[Val904Ala]ESMFRESGFQ